The following is an entry in ClinVar:

ClinVar aggregate classification (germline): Likely benign (1 of 4 stars; one submission).

Submission:

CeGaT Center for Human Genetics Tuebingen
Classification: Likely benign. Last evaluated: 2025-07-01. Review status: criteria provided, single submitter. Criteria: CeGaT Center For Human Genetics Tuebingen Variant Classification Criteria Version 2. Collection method: clinical testing. Allele origin: germline. Affected: yes. Observed: 1 variant allele.
Comment: BTBD17: BP4, BP7

NM_001080466.2(BTBD17):c.1149C>G (p.Ala383=)

Gene: BTBD17 (BTB domain containing 17; minus strand). Cytogenetic location: 17q25.1.
Variant type: single nucleotide variant.
Coding change: c.1149C>G on transcript NM_001080466.2 (MANE Select); coding-DNA position 1149, C replaced by G.
Protein change: p.Ala383=; no amino-acid change (alanine 383 retained).
Molecular consequence: synonymous variant.
Genome position (GRCh38, 1-based): chr17:74,356,945, G>C on the plus strand (C>G on the coding strand, the complement: BTBD17 is on the minus strand). VCF-style: chr17-74356945-G-C. GRCh37 (hg19) VCF-style: chr17-72353084-G-C.
Identifiers: ClinVar variation 4084206 (VCV004084206.8).